The following is an entry in ClinVar:

ClinVar aggregate classification (germline): Likely benign (0 of 4 stars; one submission).

Conditions:
ACACA-related disorder. Also called: ACACA-related condition.

Allele frequency attached by ClinVar (database versions not stated): gnomAD 0.00002; TOPMed 0.00002; ESP Exome Variant Server 0.00008; ExAC 0.00011.
gnomAD v4.1: 93 of 1,613,942 alleles (0.0058%); highest among the groups gnomAD compares: South Asian, 0.09%; no homozygotes.

Submission:

PreventionGenetics, part of Exact Sciences
Classification: Likely benign for ACACA-related condition. Last evaluated: 2019-09-05. Review status: no assertion criteria provided. Collection method: clinical testing. Allele origin: germline.
Comment: This variant is classified as likely benign based on ACMG/AMP sequence variant interpretation guidelines (Richards et al. 2015 PMID: 25741868, with internal and published modifications).

NM_198834.3(ACACA):c.2367G>A (p.Ser789=)

Gene: ACACA (acetyl-CoA carboxylase alpha; minus strand). Cytogenetic location: 17q12.
Variant type: single nucleotide variant.
Coding change: c.2367G>A on transcript NM_198834.3 (MANE Select); coding-DNA position 2367, G replaced by A.
Protein change: p.Ser789=; no amino-acid change (serine 789 retained).
Molecular consequence: synonymous variant.
Genome position (GRCh38, 1-based): chr17:37,246,919, C>T on the plus strand (G>A on the coding strand, the complement: ACACA is on the minus strand). VCF-style: chr17-37246919-C-T. GRCh37 (hg19) VCF-style: chr17-35603835-C-T.
Other names: c.2256G>A, p.Ser752= (NM_198836.3, NM_198839.3); c.2082G>A, p.Ser694= (NM_198837.2); c.2022G>A, p.Ser674= (NM_198838.2).
Identifiers: ClinVar variation 3052495 (VCV003052495.2), dbSNP rs367784761, ClinGen allele CA8515600.